The following is an entry in ClinVar:

ClinVar aggregate classification (germline): Uncertain significance (1 of 4 stars; one submission).

Conditions:
Hereditary pheochromocytoma and paraganglioma. Also called: Hereditary pheochromocytoma-paraganglioma; Hereditary Paraganglioma-Pheochromocytoma Syndromes; Hereditary paragangliomas and pheochromocytomas. Identifiers: Orphanet 29072, MedGen C4274332, MONDO:0017366.

Submission:

All of Us Research Program, National Institutes of Health
Classification: Uncertain significance for Hereditary pheochromocytoma and paraganglioma. Last evaluated: 2023-12-13. Review status: criteria provided, single submitter. Criteria: ACMG Guidelines, 2015. Collection method: clinical testing. Allele origin: germline. Inheritance: Autosomal dominant inheritance. Observed: 1 variant allele, 1 heterozygote.
Comment: This missense variant replaces glycine with valine at codon 45 of the SDHD protein. Computational prediction is inconclusive regarding the impact of this variant on protein structure and function (internally defined REVEL score threshold 0.5 < inconclusive < 0.7, PMID: 27666373). To our knowledge, functional studies have not been reported for this variant. This variant has not been reported in individuals affected with SDHD-related disorders in the literature. This variant has not been identified in the general population by the Genome Aggregation Database (gnomAD). The available evidence is insufficient to determine the role of this variant in disease conclusively. Therefore, this variant is classified as a Variant of Uncertain Significance.

This study involves interpretation of variants in research participants for the purpose of population health screening. Participant phenotype was not available at the time of variant classification. Additional details can be found in publication PMID: 35346344, PMCID: PMC8962531

NM_003002.4(SDHD):c.134G>T (p.Gly45Val)

Gene: SDHD (succinate dehydrogenase complex subunit D; plus strand). Cytogenetic location: 11q23.1.
Variant type: single nucleotide variant.
Coding change: c.134G>T on transcript NM_003002.4 (MANE Select); coding-DNA position 134, G replaced by T.
Protein change: p.Gly45Val; replaces glycine 45 with valine.
Molecular consequence: missense variant. On other transcripts: non-coding transcript variant (1), intron variant (1).
Genome position (GRCh38, 1-based): chr11:112,087,938, G>T. VCF-style: chr11-112087938-G-T. GRCh37 (hg19) VCF-style: chr11-111958662-G-T.
Other names: c.134G>T, p.Gly45Val (NM_001276503.2, NM_001276506.2); c.53-929G>T (NM_001276504.2); short protein forms G45V.
Identifiers: ClinVar variation 3074747 (VCV003074747.1), dbSNP rs2498900147, ClinGen allele CA382617059.